The following is an entry in ClinVar:

ClinVar aggregate classification (germline): Uncertain significance (1 of 4 stars; one submission).

gnomAD v4.1: 5 of 1,298,876 alleles (0.00038%); highest among the groups gnomAD compares: South Asian, 0.0027%; no homozygotes.

Submission:

Labcorp Genetics (formerly Invitae), Labcorp
Classification: Uncertain significance. Last evaluated: 2022-03-14. Review status: criteria provided, single submitter. Criteria: Invitae Variant Classification Sherloc (09022015). Collection method: clinical testing. Allele origin: germline.
Comment: This sequence change replaces arginine, which is basic and polar, with serine, which is neutral and polar, at codon 46 of the P2RX2 protein (p.Arg46Ser). In summary, the available evidence is currently insufficient to determine the role of this variant in disease. Therefore, it has been classified as a Variant of Uncertain Significance. Algorithms developed to predict the effect of missense changes on protein structure and function are either unavailable or do not agree on the potential impact of this missense change (SIFT: "Deleterious"; PolyPhen-2: "Possibly Damaging"; Align-GVGD: "Class C0"). This variant has not been reported in the literature in individuals affected with P2RX2-related conditions. The frequency data for this variant in the population databases is considered unreliable, as metrics indicate poor data quality at this position in the gnomAD database.

NM_170682.4(P2RX2):c.136C>A (p.Arg46Ser)

Gene: P2RX2 (purinergic receptor P2X 2; plus strand). Cytogenetic location: 12q24.33.
Variant type: single nucleotide variant.
Coding change: c.136C>A on transcript NM_170682.4 (MANE Select); coding-DNA position 136, C replaced by A.
Protein change: p.Arg46Ser; replaces arginine 46 with serine.
Molecular consequence: missense variant. On other transcripts: intron variant (2).
Genome position (GRCh38, 1-based): chr12:132,618,952, C>A. VCF-style: chr12-132618952-C-A. GRCh37 (hg19) VCF-style: chr12-133195538-C-A.
Other names: c.136C>A, p.Arg46Ser (NM_001282164.2, NM_001282165.2, NM_016318.4 and 2 more transcripts); c.105+31C>A (NM_012226.5, NM_174872.3); short protein forms R46S.
Identifiers: ClinVar variation 1966793 (VCV001966793.5), dbSNP rs774203714, ClinGen allele CA6891333.